The following is an entry in ClinVar:

NM_004517.4(ILK):c.83A>G (p.Asn28Ser)

Genes: ILK (integrin linked kinase; plus strand), LOC130005201 (ATAC-STARR-seq lymphoblastoid active region 4345; plus strand). Cytogenetic location: 11p15.4.
Variant type: single nucleotide variant.
Coding change: c.83A>G on transcript NM_004517.4 (MANE Select); coding-DNA position 83, A replaced by G.
Protein change: p.Asn28Ser; replaces asparagine 28 with serine.
Molecular consequence: missense variant. On other transcripts: 5 prime UTR variant (1).
Genome position (GRCh38, 1-based): chr11:6,604,354, A>G. VCF-style: chr11-6604354-A-G. GRCh37 (hg19) VCF-style: chr11-6625584-A-G.
Other names: c.83A>G, p.Asn28Ser (NM_001014794.3, NM_001014795.3, NM_001278441.2); c.-154A>G (NM_001278442.2); short protein forms N28S.
Identifiers: ClinVar variation 2826521 (VCV002826521.4), dbSNP rs1489118962, ClinGen allele CA379452147.

ClinVar aggregate classification (germline): Uncertain significance. Review status: criteria provided, multiple submitters, no conflicts (2 of 4 stars). 2 submissions from 2 submitters: Uncertain significance (2). Last evaluated 2025-12-10.

Conditions:
Primary familial hypertrophic cardiomyopathy (HCM). Identifiers: Orphanet 99739, MedGen C0949658, MeSH D024741, MONDO:0024573. Inheritance: Various modes of inheritance.

gnomAD v4.1: 10 of 1,607,686 alleles (0.00062%); highest among the groups gnomAD compares: South Asian, 0.0011%; no homozygotes.

Submissions (2):

Ambry Genetics
Classification: Uncertain significance. Last evaluated: 2025-12-10. Review status: criteria provided, single submitter. Criteria: Ambry Variant Classification Scheme 2023. Collection method: clinical testing. Allele origin: germline.
Comment: The p.N28S variant (also known as c.83A>G), located in coding exon 1 of the ILK gene, results from an A to G substitution at nucleotide position 83. The asparagine at codon 28 is replaced by serine, an amino acid with highly similar properties. This amino acid position is conserved. In addition, this alteration is predicted to be tolerated by in silico analysis. Based on the available evidence, the clinical significance of this variant remains unclear.

Labcorp Genetics (formerly Invitae), Labcorp
Classification: Uncertain significance for Primary familial hypertrophic cardiomyopathy. Last evaluated: 2024-01-03. Review status: criteria provided, single submitter. Criteria: Invitae Variant Classification Sherloc (09022015). Collection method: clinical testing. Allele origin: germline.
Comment: This sequence change replaces asparagine, which is neutral and polar, with serine, which is neutral and polar, at codon 28 of the ILK protein (p.Asn28Ser). This variant is not present in population databases (gnomAD no frequency). This variant has not been reported in the literature in individuals affected with ILK-related conditions. An algorithm developed to predict the effect of missense changes on protein structure and function (PolyPhen-2) suggests that this variant is likely to be disruptive. In summary, the available evidence is currently insufficient to determine the role of this variant in disease. Therefore, it has been classified as a Variant of Uncertain Significance.